The following is an entry in ClinVar:

NM_004369.4(COL6A3):c.6023T>G (p.Leu2008Arg)

Gene: COL6A3 (collagen type VI alpha 3 chain; minus strand). Cytogenetic location: 2q37.3.
Variant type: single nucleotide variant.
Coding change: c.6023T>G on transcript NM_004369.4 (MANE Select); coding-DNA position 6023, T replaced by G.
Protein change: p.Leu2008Arg; replaces leucine 2008 with arginine.
Molecular consequence: missense variant.
Genome position (GRCh38, 1-based): chr2:237,363,293, A>C on the plus strand (T>G on the coding strand, the complement: COL6A3 is on the minus strand). VCF-style: chr2-237363293-A-C. GRCh37 (hg19) VCF-style: chr2-238271936-A-C.
Other names: c.4202T>G, p.Leu1401Arg (NM_057166.5); c.5405T>G, p.Leu1802Arg (NM_057167.4); short protein forms L1401R, L1802R, L2008R.
Identifiers: ClinVar variation 2140576 (VCV002140576.4), dbSNP rs369341191, ClinGen allele CA67856881.

ClinVar aggregate classification (germline): Uncertain significance (1 of 4 stars; one submission).

Conditions:
Bethlem myopathy 1A. Also called: Bethlem Muscular Dystrophy; Bethlem myopathy 1; MYOPATHY, BENIGN CONGENITAL, WITH CONTRACTURES. Identifiers: Orphanet 610, MedGen CN029274, MONDO:0024530, OMIM 158810.

Allele frequency attached by ClinVar (database versions not stated): gnomAD exomes below 0.00001; gnomAD 0.00001; TOPMed 0.00001; ESP Exome Variant Server 0.00008.
gnomAD v4.1: 3 of 1,614,058 alleles (0.00019%); highest among the groups gnomAD compares: Non-Finnish European, 0.00025%; no homozygotes.

Submission:

Labcorp Genetics (formerly Invitae), Labcorp
Classification: Uncertain significance for Bethlem myopathy 1A. Last evaluated: 2022-05-28. Review status: criteria provided, single submitter. Criteria: Invitae Variant Classification Sherloc (09022015). Collection method: clinical testing. Allele origin: germline.
Comment: This sequence change replaces leucine, which is neutral and non-polar, with arginine, which is basic and polar, at codon 2008 of the COL6A3 protein (p.Leu2008Arg). This variant is not present in population databases (gnomAD no frequency). This variant has not been reported in the literature in individuals affected with COL6A3-related conditions. Advanced modeling of protein sequence and biophysical properties (such as structural, functional, and spatial information, amino acid conservation, physicochemical variation, residue mobility, and thermodynamic stability) performed at Invitae indicates that this missense variant is not expected to disrupt COL6A3 protein function. In summary, the available evidence is currently insufficient to determine the role of this variant in disease. Therefore, it has been classified as a Variant of Uncertain Significance.